The following is an entry in ClinVar:

ClinVar aggregate classification (germline): Uncertain significance (1 of 4 stars; one submission).

gnomAD v4.1: 16 of 1,613,996 alleles (0.00099%); highest among the groups gnomAD compares: Middle Eastern, 0.016%; no homozygotes.

Submission:

Women's Health and Genetics/Laboratory Corporation of America, LabCorp
Classification: Uncertain significance. Last evaluated: 2025-07-07. Review status: criteria provided, single submitter. Criteria: LabCorp Variant Classification Summary - May 2015. Collection method: clinical testing. Allele origin: germline.
Comment: Variant summary: CD70 c.476C>T (p.Thr159Met) results in a non-conservative amino acid change in the encoded protein sequence. Algorithms developed to predict the effect of missense changes on protein structure and function are either unavailable or do not agree on the potential impact of this missense change. The variant allele was found at a frequency of 2e-05 in 250972 control chromosomes. The available data on variant occurrences in the general population are insufficient to allow any conclusion about variant significance. To our knowledge, no occurrence of c.476C>T in individuals affected with Severe Combined Immunodeficiency Due To CD70 Deficiency and no experimental evidence demonstrating its impact on protein function have been reported. No submitters have cited clinical-significance assessments for this variant to ClinVar. Based on the evidence outlined above, the variant was classified as uncertain significance.

NM_001252.5(CD70):c.476C>T (p.Thr159Met)

Gene: CD70 (CD70 molecule; minus strand). Cytogenetic location: 19p13.3.
Variant type: single nucleotide variant.
Coding change: c.476C>T on transcript NM_001252.5 (MANE Select); coding-DNA position 476, C replaced by T.
Protein change: p.Thr159Met; replaces threonine 159 with methionine.
Molecular consequence: missense variant. On other transcripts: intron variant (1).
Genome position (GRCh38, 1-based): chr19:6,586,126, G>A on the plus strand (C>T on the coding strand, the complement: CD70 is on the minus strand). VCF-style: chr19-6586126-G-A. GRCh37 (hg19) VCF-style: chr19-6586137-G-A.
Other names: c.448+28C>T (NM_001330332.2); short protein forms T159M.
Identifiers: ClinVar variation 4526117 (VCV004526117.1).